The following is an entry in ClinVar:

ClinVar aggregate classification (germline): Uncertain significance. Review status: criteria provided, multiple submitters, no conflicts (2 of 4 stars). 2 submissions from 2 submitters: Uncertain significance (2). Last evaluated 2024-11-11.

Conditions:
Growth hormone insensitivity with immune dysregulation 1, autosomal recessive. Also called: GROWTH HORMONE INSENSITIVITY DUE TO POSTRECEPTOR DEFECT; LARON SYNDROME DUE TO POSTRECEPTOR DEFECT; GROWTH HORMONE INSENSITIVITY SYNDROME WITH IMMUNE DYSREGULATION 1, AUTOSOMAL RECESSIVE; Laron syndrome with immunodeficiency. Identifiers: Orphanet 220465, MedGen C5435698, MONDO:0100211, OMIM 245590.
Growth hormone insensitivity syndrome with immune dysregulation 2, autosomal dominant. Identifiers: MedGen C5436546, MONDO:0100219, OMIM 618985.

Allele frequency attached by ClinVar (database versions not stated): ExAC 0.00003; gnomAD 0.00003 and 0.00005; gnomAD exomes 0.00003; TOPMed 0.00003.
gnomAD v4.1: 48 of 1,604,594 alleles (0.003%); highest among the groups gnomAD compares: South Asian, 0.015%; no homozygotes.

Submissions (2):

Labcorp Genetics (formerly Invitae), Labcorp
Classification: Uncertain significance for Growth hormone insensitivity with immune dysregulation 1, autosomal recessive. Last evaluated: 2024-11-11. Review status: criteria provided, single submitter. Criteria: Invitae Variant Classification Sherloc (09022015). Collection method: clinical testing. Allele origin: germline.
Comment: This sequence change replaces alanine, which is neutral and non-polar, with threonine, which is neutral and polar, at codon 785 of the STAT5B protein (p.Ala785Thr). This variant is present in population databases (rs760771231, gnomAD 0.01%). This variant has not been reported in the literature in individuals affected with STAT5B-related conditions. ClinVar contains an entry for this variant (Variation ID: 992531). An algorithm developed to predict the effect of missense changes on protein structure and function outputs the following: PolyPhen-2: "Possibly Damaging". The threonine amino acid residue is found in multiple mammalian species, which suggests that this missense change does not adversely affect protein function. In summary, the available evidence is currently insufficient to determine the role of this variant in disease. Therefore, it has been classified as a Variant of Uncertain Significance.

Center for Genomics, Ann and Robert H. Lurie Children's Hospital of Chicago
Classification: Uncertain significance for Growth hormone insensitivity with immune dysregulation 1, autosomal recessive; Growth hormone insensitivity syndrome with immune dysregulation 2, autosomal dominant. Review status: criteria provided, single submitter. Criteria: ACMG Guidelines, 2015. Collection method: clinical testing. Allele origin: germline.
Comment: STAT5B NM_012448.3 exon 19 p.Ala785Thr (c.2353G>A): This variant has not been reported in the literature but is present in 0.01% (4/30612) of South Asian alleles in the Genome Aggregation Database. This variant amino acid Threonine (Thr) is present in 5 species (naked mole rat, guinea pig, chinchilla, coelacanth, lamprey); this suggests that this variant may not impact the protein. Additional computational prediction tools do not suggest an impact. In summary, data on this variant is insufficient for disease classification. Therefore, the clinical significance of this variant is uncertain.

NM_012448.4(STAT5B):c.2353G>A (p.Ala785Thr)

Gene: STAT5B (signal transducer and activator of transcription 5B; minus strand). Cytogenetic location: 17q21.2.
Variant type: single nucleotide variant.
Coding change: c.2353G>A on transcript NM_012448.4 (MANE Select); coding-DNA position 2353, G replaced by A.
Protein change: p.Ala785Thr; replaces alanine 785 with threonine.
Molecular consequence: missense variant.
Genome position (GRCh38, 1-based): chr17:42,201,749, C>T on the plus strand (G>A on the coding strand, the complement: STAT5B is on the minus strand). VCF-style: chr17-42201749-C-T. GRCh37 (hg19) VCF-style: chr17-40353767-C-T.
Other names: short protein forms A785T.
Identifiers: ClinVar variation 992531 (VCV000992531.8), dbSNP rs760771231, ClinGen allele CA8573792.